The following is an entry in ClinVar:

NM_001109809.5(ZFP57):c.532T>C (p.Tyr178His)

Gene: ZFP57 (ZFP57 zinc finger protein; minus strand). Cytogenetic location: 6p22.1.
Variant type: single nucleotide variant.
Coding change: c.532T>C on transcript NM_001109809.5 (MANE Select); coding-DNA position 532, T replaced by C.
Protein change: p.Tyr178His; replaces tyrosine 178 with histidine.
Molecular consequence: missense variant.
Genome position (GRCh38, 1-based): chr6:29,673,579, A>G on the plus strand (T>C on the coding strand, the complement: ZFP57 is on the minus strand). VCF-style: chr6-29673579-A-G. GRCh37 (hg19) VCF-style: chr6-29641356-A-G.
Other names: c.316T>C, p.Tyr106His (NM_001366333.2); short protein forms Y106H, Y178H.
Identifiers: ClinVar variation 905244 (VCV000905244.41), dbSNP rs146835830, ClinGen allele CA3690798.

ClinVar aggregate classification (germline): Conflicting classifications of pathogenicity. Review status: criteria provided, conflicting classifications (1 of 4 stars). 8 submissions from 8 submitters: Uncertain significance (1); Likely benign (6). 1 of the submissions does not count toward it. Last evaluated 2026-01-14.

Conditions:
Diabetes mellitus, transient neonatal, 1 (TNDM1). Also called: Diabetes Mellitus, 6q24-Related Transient Neonatal. Identifiers: Orphanet 99886, MedGen C1832386, MONDO:0011073, OMIM 601410.
ZFP57-related disorder. Also called: ZFP57-related condition.
Inborn genetic diseases. Identifiers: MedGen C0950123, MeSH D030342.
Monogenic diabetes. Identifiers: Orphanet 183625, MedGen C3888631, MONDO:0015967.

Allele frequency attached by ClinVar (database versions not stated): gnomAD exomes 0.00124 and 0.00154; 1000 Genomes Project 30x 0.00125; 1000 Genomes Project 0.00140; ExAC 0.00174; ESP Exome Variant Server 0.00189; gnomAD 0.00210 and 0.00219; TOPMed 0.00232.
gnomAD v4.1: 2,172 of 1,613,048 alleles (0.13%); highest among the groups gnomAD compares: Middle Eastern, 1.2%; 12 homozygotes.

Submissions (8):

Labcorp Genetics (formerly Invitae), Labcorp
Classification: Likely benign. Last evaluated: 2026-01-14. Review status: criteria provided, single submitter. Criteria: Invitae Variant Classification Sherloc (09022015). Collection method: clinical testing. Allele origin: germline.

ARUP Laboratories, Molecular Genetics and Genomics, ARUP Laboratories
Classification: Likely benign for Diabetes mellitus, transient neonatal, 1. Last evaluated: 2024-12-04. Review status: criteria provided, single submitter. Criteria: ARUP Molecular Germline Variant Investigation Process 2024. Collection method: clinical testing. Allele origin: germline.

Blueprint Genetics
Classification: Likely benign. Last evaluated: 2024-11-07. Review status: criteria provided, single submitter. Criteria: ACMG Guidelines, 2015. Collection method: clinical testing. Allele origin: germline.

CeGaT Center for Human Genetics Tuebingen
Classification: Likely benign. Last evaluated: 2023-09-01. Review status: criteria provided, single submitter. Criteria: CeGaT Center For Human Genetics Tuebingen Variant Classification Criteria Version 2. Collection method: clinical testing. Allele origin: germline. Affected: yes. Observed: 1 variant allele.
Comment: ZFP57: BP4, BS2

Ambry Genetics
Classification: Likely benign for Inborn genetic diseases. Last evaluated: 2021-07-20. Review status: criteria provided, single submitter. Criteria: Ambry Variant Classification Scheme 2023. Collection method: clinical testing. Allele origin: germline.

Personalized Diabetes Medicine Program, University of Maryland School of Medicine
Classification: Uncertain significance for Monogenic diabetes. Last evaluated: 2019-02-01. Review status: criteria provided, single submitter. Criteria: ACMG Guidelines, 2015. Collection method: research. Allele origin: unknown. Observed: 4 variant alleles, 3 heterozygotes, 1 homozygote.
Comment: ACMG criteria: BP4 (Revel score 0.024 + 9 predictors)=VUS

Illumina Laboratory Services, Illumina
Classification: Likely benign for Diabetes mellitus, transient neonatal, 1. Last evaluated: 2018-01-12. Review status: criteria provided, single submitter. Criteria: ICSL Variant Classification Criteria 13 December 2019. Collection method: clinical testing. Allele origin: germline.
Comment: This variant was observed in the ICSL laboratory as part of a predisposition screen in an ostensibly healthy population. It had not been previously curated by ICSL or reported in the Human Gene Mutation Database (HGMD: prior to June 1st, 2018), and was therefore a candidate for classification through an automated scoring system. Utilizing variant allele frequency, disease prevalence and penetrance estimates, and inheritance mode, an automated score was calculated to assess if this variant is too frequent to cause the disease. Based on the score and internal cut-off values, a variant classified as likely benign is not then subjected to further curation. The score for this variant resulted in a classification of likely benign for this disease.

PreventionGenetics, part of Exact Sciences
Classification: Likely benign for ZFP57-related condition. Last evaluated: 2019-09-19. Review status: no assertion criteria provided. Collection method: clinical testing. Allele origin: germline. Not counted in ClinVar's aggregate classification.
Comment: This variant is classified as likely benign based on ACMG/AMP sequence variant interpretation guidelines (Richards et al. 2015 PMID: 25741868, with internal and published modifications).